The following is an entry in ClinVar:

NM_007186.6(CEP250):c.3872A>G (p.Gln1291Arg)

Gene: CEP250 (centrosomal protein 250; plus strand). Cytogenetic location: 20q11.22.
Variant type: single nucleotide variant.
Coding change: c.3872A>G on transcript NM_007186.6 (MANE Select); coding-DNA position 3872, A replaced by G.
Protein change: p.Gln1291Arg; replaces glutamine 1291 with arginine.
Molecular consequence: missense variant.
Genome position (GRCh38, 1-based): chr20:35,500,143, A>G. VCF-style: chr20-35500143-A-G. GRCh37 (hg19) VCF-style: chr20-34087972-A-G.
Other names: c.1976A>G, p.Gln659Arg (NM_001318219.1); c.3872A>G (NM_007186.3); short protein forms Q1291R, Q659R.
Identifiers: ClinVar variation 1386640 (VCV001386640.8), dbSNP rs1248345630, ClinGen allele CA408746304.
Genomic context (GRCh38, chr20:35,500,143, plus strand): 5'-AGCGTCTAACTGATACTGAGGCTGAGAAGAGCCAGGTCCACACAGAGTTGCAGGATCTGC[A>G]GAGACAGCTCTCCCAGAATCAGGAAGGTGAGAAGCTCAAGACAGGCAGGGAGATTGAGAG-3'
Protein context (NP_009117.2, residues 1281-1301): SQVHTELQDL[Gln1291Arg]RQLSQNQEEK

ClinVar aggregate classification (germline): Uncertain significance. Review status: criteria provided, multiple submitters, no conflicts (2 of 4 stars). 3 submissions from 3 submitters: Uncertain significance (3). Last evaluated 2024-11-25.

Allele frequency attached by ClinVar (database versions not stated): TOPMed below 0.00001; gnomAD 0.00001; gnomAD exomes 0.00001.
gnomAD v4.1: 6 of 1,613,992 alleles (0.00037%); highest among the groups gnomAD compares: Non-Finnish European, 0.00051%; no homozygotes.

Submissions (3):

Ambry Genetics
Classification: Uncertain significance. Last evaluated: 2024-11-25. Review status: criteria provided, single submitter. Criteria: Ambry Variant Classification Scheme 2023. Collection method: clinical testing. Allele origin: germline.

Labcorp Genetics (formerly Invitae), Labcorp
Classification: Uncertain significance. Last evaluated: 2021-12-13. Review status: criteria provided, single submitter. Criteria: Invitae Variant Classification Sherloc (09022015). Collection method: clinical testing. Allele origin: germline.
Comment: This variant is not present in population databases (gnomAD no frequency). This sequence change replaces glutamine, which is neutral and polar, with arginine, which is basic and polar, at codon 1291 of the CEP250 protein (p.Gln1291Arg). This variant has not been reported in the literature in individuals affected with CEP250-related conditions. Algorithms developed to predict the effect of missense changes on protein structure and function are either unavailable or do not agree on the potential impact of this missense change (SIFT: "Not Available"; PolyPhen-2: "Benign"; Align-GVGD: "Not Available"). In summary, the available evidence is currently insufficient to determine the role of this variant in disease. Therefore, it has been classified as a Variant of Uncertain Significance.

Blueprint Genetics
Classification: Uncertain significance. Last evaluated: 2020-07-07. Review status: criteria provided, single submitter. Criteria: ACMG Guidelines, 2015. Collection method: clinical testing. Allele origin: germline.